The following is an entry in ClinVar:

ClinVar aggregate classification (germline): Pathogenic (1 of 4 stars; one submission).

Conditions:
Hereditary cancer-predisposing syndrome. Also called: Hereditary Cancer Syndrome; Tumor predisposition; Hereditary neoplastic syndrome; Neoplastic Syndromes, Hereditary. Identifiers: Orphanet 140162, MedGen C0027672, MeSH D009386, MONDO:0015356.

Submission:

Labcorp Genetics (formerly Invitae), Labcorp
Classification: Pathogenic for Hereditary cancer-predisposing syndrome. Last evaluated: 2023-11-13. Review status: criteria provided, single submitter. Criteria: Invitae Variant Classification Sherloc (09022015). Collection method: clinical testing. Allele origin: germline.
Comment: This sequence change creates a premature translational stop signal (p.Tyr51*) in the RAD50 gene. It is expected to result in an absent or disrupted protein product. Loss-of-function variants in RAD50 are known to be pathogenic (PMID: 19409520). This variant is not present in population databases (gnomAD no frequency). This variant has not been reported in the literature in individuals affected with RAD50-related conditions. ClinVar contains an entry for this variant (Variation ID: 1411269). For these reasons, this variant has been classified as Pathogenic.

Literature cited by the submitters: PubMed 19409520.

NM_005732.4(RAD50):c.153T>A (p.Tyr51Ter)

Gene: RAD50 (RAD50 double strand break repair protein; plus strand). Cytogenetic location: 5q31.1.
Variant type: single nucleotide variant.
Coding change: c.153T>A on transcript NM_005732.4 (MANE Select); coding-DNA position 153, T replaced by A.
Protein change: p.Tyr51Ter; replaces tyrosine 51 with a stop codon.
Molecular consequence: nonsense.
Genome position (GRCh38, 1-based): chr5:132,559,307, T>A. VCF-style: chr5-132559307-T-A. GRCh37 (hg19) VCF-style: chr5-131894999-T-A.
Other names: short protein forms Y51*.
Identifiers: ClinVar variation 1411269 (VCV001411269.6), dbSNP rs2149831280, ClinGen allele CA360953330.